The following is an entry in ClinVar:

ClinVar aggregate classification (germline): Uncertain significance. Review status: criteria provided, multiple submitters, no conflicts (2 of 4 stars). 3 submissions from 3 submitters: Uncertain significance (3). Last evaluated 2024-01-15.

Conditions:
Sulfite oxidase deficiency due to molybdenum cofactor deficiency type A. Also called: Molybdenum Cofactor Deficiency A; Molybdenum cofactor deficiency, complementation group A. Identifiers: Orphanet 308386, Orphanet 833, MedGen C1854988, MONDO:0009643, OMIM 252150.
Inborn genetic diseases. Identifiers: MedGen C0950123, MeSH D030342.

Allele frequency attached by ClinVar (database versions not stated): gnomAD exomes 0.00001 and 0.00002; TOPMed 0.00012; ExAC 0.00013; gnomAD 0.00015 and 0.00016; 1000 Genomes Project 30x 0.00016; 1000 Genomes Project 0.00020.
gnomAD v4.1: 38 of 1,555,062 alleles (0.0024%); highest among the groups gnomAD compares: African/African-American, 0.05%; no homozygotes.

Submissions (3):

Fulgent Genetics
Classification: Uncertain significance for Sulfite oxidase deficiency due to molybdenum cofactor deficiency type A. Last evaluated: 2024-01-15. Review status: criteria provided, single submitter. Criteria: ACMG Guidelines, 2015. Collection method: clinical testing. Allele origin: germline.

Ambry Genetics
Classification: Uncertain significance for Inborn genetic diseases. Last evaluated: 2023-07-25. Review status: criteria provided, single submitter. Criteria: Ambry Variant Classification Scheme 2023. Collection method: clinical testing. Allele origin: germline.

Labcorp Genetics (formerly Invitae), Labcorp
Classification: Uncertain significance for Sulfite oxidase deficiency due to molybdenum cofactor deficiency type A. Last evaluated: 2022-09-01. Review status: criteria provided, single submitter. Criteria: Invitae Variant Classification Sherloc (09022015). Collection method: clinical testing. Allele origin: germline.
Comment: This sequence change replaces cysteine, which is neutral and slightly polar, with arginine, which is basic and polar, at codon 21 of the MOCS1 protein (p.Cys21Arg). The frequency data for this variant in the population databases is considered unreliable, as metrics indicate poor data quality at this position in the gnomAD database. This variant has not been reported in the literature in individuals affected with MOCS1-related conditions. ClinVar contains an entry for this variant (Variation ID: 1062395). Algorithms developed to predict the effect of missense changes on protein structure and function are either unavailable or do not agree on the potential impact of this missense change (SIFT: "Tolerated"; PolyPhen-2: "Not Available"; Align-GVGD: "Class C0"). In summary, the available evidence is currently insufficient to determine the role of this variant in disease. Therefore, it has been classified as a Variant of Uncertain Significance.

NM_001358530.2(MOCS1):c.61T>C (p.Cys21Arg)

Gene: MOCS1 (molybdenum cofactor synthesis 1; minus strand). Cytogenetic location: 6p21.2.
Variant type: single nucleotide variant.
Coding change: c.61T>C on transcript NM_001358530.2 (MANE Select); coding-DNA position 61, T replaced by C.
Protein change: p.Cys21Arg; replaces cysteine 21 with arginine.
Molecular consequence: missense variant. On other transcripts: 5 prime UTR variant (2), non-coding transcript variant (1).
Genome position (GRCh38, 1-based): chr6:39,934,357, A>G on the plus strand (T>C on the coding strand, the complement: MOCS1 is on the minus strand). VCF-style: chr6-39934357-A-G. GRCh37 (hg19) VCF-style: chr6-39902096-A-G.
Other names: c.61T>C, p.Cys21Arg (NM_001075098.4, NM_001358529.2); c.-74T>C (NM_001358531.2, NM_001358533.2); c.61T>C (NM_001075098.3); short protein forms C21R.
Identifiers: ClinVar variation 1062395 (VCV001062395.6), dbSNP rs571518668, ClinGen allele CA3796505.